The following is an entry in ClinVar:

ClinVar aggregate classification (germline): Pathogenic (1 of 4 stars; one submission).

Conditions:
Mucopolysaccharidosis, MPS-III-A (MPS3A). Also called: Mucopolysaccharidosis type IIIA (Sanfilippo A); HEPARAN SULFATE SULFATASE DEFICIENCY; SANFILIPPO SYNDROME A; SULFAMIDASE DEFICIENCY; MPS III A; Mucopolysaccharidosis, type IIIA. Identifiers: Orphanet 581, Orphanet 79269, MedGen C0086647, MONDO:0009655, OMIM 252900.

Submission:

Labcorp Genetics (formerly Invitae), Labcorp
Classification: Pathogenic for Mucopolysaccharidosis, MPS-III-A. Last evaluated: 2024-08-05. Review status: criteria provided, single submitter. Criteria: Invitae Variant Classification Sherloc (09022015). Collection method: clinical testing. Allele origin: germline.
Comment: This sequence change creates a premature translational stop signal (p.Gly249*) in the SGSH gene. It is expected to result in an absent or disrupted protein product. Loss-of-function variants in SGSH are known to be pathogenic (PMID: 11182930, 21204211, 22976768). This variant is not present in population databases (gnomAD no frequency). This variant has not been reported in the literature in individuals affected with SGSH-related conditions. Algorithms developed to predict the effect of sequence changes on RNA splicing suggest that this variant may disrupt the consensus splice site. For these reasons, this variant has been classified as Pathogenic.

Literature cited by the submitters: PubMed 11182930; PubMed 21204211; PubMed 22976768.

NM_000199.5(SGSH):c.745G>T (p.Gly249Ter)

Gene: SGSH (N-sulfoglucosamine sulfohydrolase; minus strand). Cytogenetic location: 17q25.3.
Variant type: single nucleotide variant.
Coding change: c.745G>T on transcript NM_000199.5 (MANE Select); coding-DNA position 745, G replaced by T.
Protein change: p.Gly249Ter; replaces glycine 249 with a stop codon.
Molecular consequence: nonsense. On other transcripts: non-coding transcript variant (1).
Genome position (GRCh38, 1-based): chr17:80,213,804, C>A on the plus strand (G>T on the coding strand, the complement: SGSH is on the minus strand). VCF-style: chr17-80213804-C-A. GRCh37 (hg19) VCF-style: chr17-78187603-C-A.
Other names: c.745G>T, p.Gly249Ter (NM_001352921.3, NM_001352922.2); short protein forms G249*.
Identifiers: ClinVar variation 3643122 (VCV003643122.2).